The following is an entry in ClinVar:

ClinVar aggregate classification (germline): Uncertain significance. Review status: criteria provided, multiple submitters, no conflicts (2 of 4 stars). 2 submissions from 2 submitters: Uncertain significance (2). Last evaluated 2025-10-22.

Conditions:
Cardiovascular phenotype. Identifiers: MedGen CN230736.
Hypertrophic cardiomyopathy 14. Identifiers: MedGen C2750467, MONDO:0013197, OMIM 613251.

Allele frequency attached by ClinVar (database versions not stated): gnomAD exomes 0.00001; TOPMed 0.00001.
gnomAD v4.1: 7 of 1,612,672 alleles (0.00043%); highest among the groups gnomAD compares: Admixed American, 0.0067%; no homozygotes.

Submissions (2):

Labcorp Genetics (formerly Invitae), Labcorp
Classification: Uncertain significance for Hypertrophic cardiomyopathy 14. Last evaluated: 2025-10-22. Review status: criteria provided, single submitter. Criteria: Invitae Variant Classification Sherloc (09022015). Collection method: clinical testing. Allele origin: germline.
Comment: This sequence change replaces glutamic acid, which is acidic and polar, with aspartic acid, which is acidic and polar, at codon 1428 of the MYH6 protein (p.Glu1428Asp). This variant is present in population databases (no rsID available, gnomAD 0.006%). This variant has not been reported in the literature in individuals affected with MYH6-related conditions. ClinVar contains an entry for this variant (Variation ID: 1739372). An algorithm developed to predict the effect of missense changes on protein structure and function (PolyPhen-2) suggests that this variant is likely to be disruptive. In summary, the available evidence is currently insufficient to determine the role of this variant in disease. Therefore, it has been classified as a Variant of Uncertain Significance.

Ambry Genetics
Classification: Uncertain significance for Cardiovascular phenotype. Last evaluated: 2018-09-27. Review status: criteria provided, single submitter. Criteria: Ambry Variant Classification Scheme 2023. Collection method: clinical testing. Allele origin: germline.
Comment: The p.E1428D variant (also known as c.4284G>T), located in coding exon 28 of the MYH6 gene, results from a G to T substitution at nucleotide position 4284. The glutamic acid at codon 1428 is replaced by aspartic acid, an amino acid with highly similar properties. This amino acid position is highly conserved in available vertebrate species. In addition, the in silico prediction for this alteration is inconclusive. Since supporting evidence is limited at this time, the clinical significance of this alteration remains unclear.

NM_002471.4(MYH6):c.4284G>T (p.Glu1428Asp)

Gene: MYH6 (myosin heavy chain 6; minus strand). Cytogenetic location: 14q11.2.
Variant type: single nucleotide variant.
Coding change: c.4284G>T on transcript NM_002471.4 (MANE Select); coding-DNA position 4284, G replaced by T.
Protein change: p.Glu1428Asp; replaces glutamic acid 1428 with aspartic acid.
Molecular consequence: missense variant.
Genome position (GRCh38, 1-based): chr14:23,388,230, C>A on the plus strand (G>T on the coding strand, the complement: MYH6 is on the minus strand). VCF-style: chr14-23388230-C-A. GRCh37 (hg19) VCF-style: chr14-23857439-C-A.
Other names: short protein forms E1428D.
Identifiers: ClinVar variation 1739372 (VCV001739372.6), dbSNP rs1259189606, ClinGen allele CA388998934.